The following is an entry in ClinVar:

NM_018706.7(DHTKD1):c.2428G>A (p.Gly810Ser)

Gene: DHTKD1 (dehydrogenase E1 and transketolase domain containing 1; plus strand). Cytogenetic location: 10p14.
Variant type: single nucleotide variant.
Coding change: c.2428G>A on transcript NM_018706.7 (MANE Select); coding-DNA position 2428, G replaced by A.
Protein change: p.Gly810Ser; replaces glycine 810 with serine.
Molecular consequence: missense variant.
Genome position (GRCh38, 1-based): chr10:12,118,774, G>A. VCF-style: chr10-12118774-G-A. GRCh37 (hg19) VCF-style: chr10-12160773-G-A.
Other names: short protein forms G810S.
Identifiers: ClinVar variation 2145866 (VCV002145866.4), dbSNP rs757252285, ClinGen allele CA5408270.

ClinVar aggregate classification (germline): Uncertain significance (1 of 4 stars; one submission).

Conditions:
2-aminoadipic 2-oxoadipic aciduria (AAKAD). Also called: ALPHA-AMINOADIPIC AND ALPHA-KETOADIPIC ACIDURIA; Aminoadipic aciduria. Identifiers: Orphanet 79154, MedGen C1859817, MONDO:0008774, OMIM 204750.

Allele frequency attached by ClinVar (database versions not stated): TOPMed below 0.00001; gnomAD 0.00001; gnomAD exomes 0.00001; ExAC 0.00002.
gnomAD v4.1: 21 of 1,590,786 alleles (0.0013%); highest among the groups gnomAD compares: South Asian, 0.0057%; 1 homozygote.

Submission:

Labcorp Genetics (formerly Invitae), Labcorp
Classification: Uncertain significance for 2-aminoadipic 2-oxoadipic aciduria. Last evaluated: 2025-11-02. Review status: criteria provided, single submitter. Criteria: Invitae Variant Classification Sherloc (09022015). Collection method: clinical testing. Allele origin: germline.
Comment: This sequence change replaces glycine, which is neutral and non-polar, with serine, which is neutral and polar, at codon 810 of the DHTKD1 protein (p.Gly810Ser). This variant is present in population databases (rs757252285, gnomAD 0.004%). This variant has not been reported in the literature in individuals affected with DHTKD1-related conditions. ClinVar contains an entry for this variant (Variation ID: 2145866). Invitae Evidence Modeling of protein sequence and biophysical properties (such as structural, functional, and spatial information, amino acid conservation, physicochemical variation, residue mobility, and thermodynamic stability) indicates that this missense variant is expected to disrupt DHTKD1 protein function with a positive predictive value of 80%. In summary, the available evidence is currently insufficient to determine the role of this variant in disease. Therefore, it has been classified as a Variant of Uncertain Significance.